The following is an entry in ClinVar:

ClinVar aggregate classification (germline): Likely benign (1 of 4 stars; one submission).

Conditions:
EHHADH-related disorder. Also called: EHHADH-related condition.

gnomAD v4.1: 14 of 1,613,620 alleles (0.00087%); highest among the groups gnomAD compares: Middle Eastern, 0.066%; no homozygotes.

Submission:

PreventionGenetics, part of Exact Sciences
Classification: Likely benign for EHHADH-related condition. Last evaluated: 2025-11-14. Review status: criteria provided, single submitter. Criteria: ACMG Guidelines, 2015. Collection method: clinical testing. Allele origin: germline.
Comment: This variant is classified as likely benign based on ACMG/AMP sequence variant interpretation guidelines (Richards et al. 2015 PMID: 25741868, with internal and published modifications).

NM_001966.4(EHHADH):c.2145G>A (p.Leu715=)

Gene: EHHADH (enoyl-CoA hydratase and 3-hydroxyacyl CoA dehydrogenase; minus strand). Cytogenetic location: 3q27.2.
Variant type: single nucleotide variant.
Coding change: c.2145G>A on transcript NM_001966.4 (MANE Select); coding-DNA position 2145, G replaced by A.
Protein change: p.Leu715=; no amino-acid change (leucine 715 retained).
Molecular consequence: synonymous variant.
Genome position (GRCh38, 1-based): chr3:185,192,253, C>T on the plus strand (G>A on the coding strand, the complement: EHHADH is on the minus strand). VCF-style: chr3-185192253-C-T. GRCh37 (hg19) VCF-style: chr3-184910041-C-T.
Other names: c.1857G>A, p.Leu619= (NM_001166415.2).
Identifiers: ClinVar variation 4979023 (VCV004979023.1).